The following is an entry in ClinVar:

NM_001044.5(SLC6A3):c.1080C>T (p.Ser360=)

Gene: SLC6A3 (solute carrier family 6 member 3). Cytogenetic location: 5p15.33.
Variant type: single nucleotide variant.
Coding change: c.1080C>T on transcript NM_001044.5 (MANE Select); coding-DNA position 1080, C replaced by T.
Protein change: p.Ser360=; no amino-acid change (serine 360 retained).
Molecular consequence: synonymous variant.
Genome position (GRCh38, 1-based): chr5:1,414,767, G>A on the plus strand (C>T on the coding strand, the complement: SLC6A3 is on the minus strand). VCF-style: chr5-1414767-G-A. GRCh37 (hg19) VCF-style: chr5-1414882-G-A.
Identifiers: ClinVar variation 470629 (VCV000470629.36), dbSNP rs142241083, ClinGen allele CA3186164.

ClinVar aggregate classification (germline): Likely benign. Review status: criteria provided, multiple submitters, no conflicts (2 of 4 stars). 5 submissions from 5 submitters: Likely benign (4). 1 of the submissions does not count toward it. Last evaluated 2026-01-16.

Conditions:
Parkinsonism-dystonia, infantile. Identifiers: Orphanet 238455, MedGen C2751067, MONDO:0013150.
SLC6A3-related disorder. Also called: SLC6A3-related condition.

Allele frequency attached by ClinVar (database versions not stated): gnomAD exomes 0.00024 and 0.00041; ExAC 0.00047; gnomAD 0.00068 and 0.00069; ESP Exome Variant Server 0.00077; TOPMed 0.00082; 1000 Genomes Project 0.00120; 1000 Genomes Project 30x 0.00125.
gnomAD v4.1: 454 of 1,612,896 alleles (0.028%); highest among the groups gnomAD compares: African/African-American, 0.19%; no homozygotes.

Submissions (5):

Labcorp Genetics (formerly Invitae), Labcorp
Classification: Likely benign for Parkinsonism-dystonia, infantile. Last evaluated: 2026-01-16. Review status: criteria provided, single submitter. Criteria: Invitae Variant Classification Sherloc (09022015). Collection method: clinical testing. Allele origin: germline.

CeGaT Center for Human Genetics Tuebingen
Classification: Likely benign. Last evaluated: 2026-01-01. Review status: criteria provided, single submitter. Criteria: CeGaT Center For Human Genetics Tuebingen Variant Classification Criteria Version 2. Collection method: clinical testing. Allele origin: germline. Affected: yes. Observed: 5 variant alleles.
Comment: SLC6A3: BP4, BP7

Blueprint Genetics
Classification: Likely benign. Last evaluated: 2024-11-20. Review status: criteria provided, single submitter. Criteria: ACMG Guidelines, 2015. Collection method: clinical testing. Allele origin: germline.

GeneDx
Classification: Likely benign. Last evaluated: 2021-06-21. Review status: criteria provided, single submitter. Criteria: GeneDx Variant Classification Process June 2021. Collection method: clinical testing. Allele origin: germline. Affected: yes.

PreventionGenetics, part of Exact Sciences
Classification: Likely benign for SLC6A3-related condition. Last evaluated: 2024-09-10. Review status: no assertion criteria provided. Collection method: clinical testing. Allele origin: germline. Not counted in ClinVar's aggregate classification.
Comment: This variant is classified as likely benign based on ACMG/AMP sequence variant interpretation guidelines (Richards et al. 2015 PMID: 25741868, with internal and published modifications).